The following is an entry in ClinVar:

NM_005273.4(GNB2):c.702C>T (p.Phe234=)

Gene: GNB2 (G protein subunit beta 2; plus strand). Cytogenetic location: 7q22.1.
Variant type: single nucleotide variant.
Coding change: c.702C>T on transcript NM_005273.4 (MANE Select); coding-DNA position 702, C replaced by T.
Protein change: p.Phe234=; no amino-acid change (phenylalanine 234 retained).
Molecular consequence: synonymous variant.
Genome position (GRCh38, 1-based): chr7:100,678,400, C>T. VCF-style: chr7-100678400-C-T. GRCh37 (hg19) VCF-style: chr7-100276023-C-T.
Identifiers: ClinVar variation 3352477 (VCV003352477.1).

ClinVar aggregate classification (germline): Likely benign (0 of 4 stars; one submission).

Conditions:
GNB2-related disorder. Also called: GNB2-related condition.

gnomAD v4.1: 21 of 1,612,826 alleles (0.0013%); highest among the groups gnomAD compares: Admixed American, 0.032%; no homozygotes.

Submission:

PreventionGenetics, part of Exact Sciences
Classification: Likely benign for GNB2-related condition. Last evaluated: 2024-07-06. Review status: no assertion criteria provided. Collection method: clinical testing. Allele origin: germline.
Comment: This variant is classified as likely benign based on ACMG/AMP sequence variant interpretation guidelines (Richards et al. 2015 PMID: 25741868, with internal and published modifications).